The following is an entry in ClinVar:

ClinVar aggregate classification (germline): Uncertain significance (1 of 4 stars; one submission).

Submission:

GeneDx
Classification: Uncertain significance. Last evaluated: 2024-09-16. Review status: criteria provided, single submitter. Criteria: GeneDx Variant Classification Process June 2021. Collection method: clinical testing. Allele origin: germline. Affected: yes.
Comment: Not observed at significant frequency in large population cohorts (gnomAD); In silico analysis indicates that this missense variant does not alter protein structure/function; Has not been previously published as pathogenic or benign to our knowledge

NM_001292063.2(OTOG):c.6110C>T (p.Ser2037Phe)

Gene: OTOG (otogelin; plus strand). Cytogenetic location: 11p15.1.
Variant type: single nucleotide variant.
Coding change: c.6110C>T on transcript NM_001292063.2 (MANE Select); coding-DNA position 6110, C replaced by T.
Protein change: p.Ser2037Phe; replaces serine 2037 with phenylalanine.
Molecular consequence: missense variant.
Genome position (GRCh38, 1-based): chr11:17,611,410, C>T. VCF-style: chr11-17611410-C-T. GRCh37 (hg19) VCF-style: chr11-17632957-C-T.
Other names: c.6146C>T, p.Ser2049Phe (NM_001277269.2); short protein forms S2037F, S2049F.
Identifiers: ClinVar variation 3769873 (VCV003769873.1).